The following is an entry in ClinVar:

ClinVar aggregate classification (germline): Likely benign (1 of 4 stars; one submission).

Conditions:
Pyruvate dehydrogenase E3-binding protein deficiency (PDHXD). Also called: Lacticacidemia due to PDX1 deficiency; E3-Binding Protein (Component X) Deficiency; LACTIC ACIDEMIA DUE TO DEFECT IN LIPOYL-CONTAINING COMPONENT X OF THE PYRUVATE DEHYDROGENASE COMPLEX; PYRUVATE HYDROGENASE E3-BINDING PROTEIN DEFICIENCY. Identifiers: Orphanet 255182, MedGen C1855553, MONDO:0009503, OMIM 245349.

Allele frequency attached by ClinVar (database versions not stated): TOPMed 0.00128; 1000 Genomes Project 0.00240; 1000 Genomes Project 30x 0.00265.
gnomAD v4.1: 199 of 152,192 alleles (0.13%); highest among the groups gnomAD compares: Middle Eastern, 1.4%; no homozygotes.

Submission:

Illumina Laboratory Services, Illumina
Classification: Likely benign for Pyruvate dehydrogenase E3-binding protein deficiency. Last evaluated: 2018-01-13. Review status: criteria provided, single submitter. Criteria: ICSL Variant Classification Criteria 13 December 2019. Collection method: clinical testing. Allele origin: germline.
Comment: This variant was observed in the ICSL laboratory as part of a predisposition screen in an ostensibly healthy population. It had not been previously curated by ICSL or reported in the Human Gene Mutation Database (HGMD: prior to June 1st, 2018), and was therefore a candidate for classification through an automated scoring system. Utilizing variant allele frequency, disease prevalence and penetrance estimates, and inheritance mode, an automated score was calculated to assess if this variant is too frequent to cause the disease. Based on the score and internal cut-off values, a variant classified as likely benign is not then subjected to further curation. The score for this variant resulted in a classification of likely benign for this disease.

NM_003477.3(PDHX):c.*904G>T

Gene: PDHX (pyruvate dehydrogenase complex component X; plus strand). Cytogenetic location: 11p13.
Variant type: single nucleotide variant.
Coding change: c.*904G>T on transcript NM_003477.3 (MANE Select); 904 bases downstream of the stop codon, G replaced by T.
Molecular consequence: 3 prime UTR variant.
Genome position (GRCh38, 1-based): chr11:34,996,076, G>T. VCF-style: chr11-34996076-G-T. GRCh37 (hg19) VCF-style: chr11-35017623-G-T.
Other names: c.*904G>T (NM_001135024.2, NM_001166158.2).
Identifiers: ClinVar variation 879084 (VCV000879084.4), dbSNP rs182283782, ClinGen allele CA220479016.